The following is an entry in ClinVar:

NM_004656.4(BAP1):c.1793C>T (p.Pro598Leu)

Gene: BAP1 (BRCA1 associated deubiquitinase 1; minus strand). Cytogenetic location: 3p21.1.
Variant type: single nucleotide variant.
Coding change: c.1793C>T on transcript NM_004656.4 (MANE Select); coding-DNA position 1793, C replaced by T.
Protein change: p.Pro598Leu; replaces proline 598 with leucine.
Molecular consequence: missense variant.
Genome position (GRCh38, 1-based): chr3:52,403,235, G>A on the plus strand (C>T on the coding strand, the complement: BAP1 is on the minus strand). VCF-style: chr3-52403235-G-A. GRCh37 (hg19) VCF-style: chr3-52437251-G-A.
Other names: c.1739C>T, p.Pro580Leu (NM_001410772.1); short protein forms P580L, P598L.
Identifiers: ClinVar variation 3818386 (VCV003818386.2).

ClinVar aggregate classification (germline): Conflicting classifications of pathogenicity. Review status: criteria provided, conflicting classifications (1 of 4 stars). 2 submissions from 2 submitters: Uncertain significance (1); Benign (1). Last evaluated 2025-12-08.

Conditions:
Hereditary cancer-predisposing syndrome. Also called: Hereditary neoplastic syndrome; Neoplastic Syndromes, Hereditary; Tumor predisposition; Hereditary Cancer Syndrome. Identifiers: Orphanet 140162, MedGen C0027672, MeSH D009386, MONDO:0015356.
BAP1-related tumor predisposition syndrome (TPDS1). Also called: Tumor susceptibility linked to germline BAP1 mutations; COMMON Syndrome; TUMOR PREDISPOSITION SYNDROME 1; BAP1 tumor predisposition syndrome. Identifiers: Orphanet 289539, MedGen C3280492, MONDO:0013692, OMIM 614327.

Submissions (2):

Labcorp Genetics (formerly Invitae), Labcorp
Classification: Uncertain significance for BAP1-related tumor predisposition syndrome. Last evaluated: 2025-12-08. Review status: criteria provided, single submitter. Criteria: Invitae Variant Classification Sherloc (09022015). Collection method: clinical testing. Allele origin: germline.
Comment: This sequence change replaces proline, which is neutral and non-polar, with leucine, which is neutral and non-polar, at codon 598 of the BAP1 protein (p.Pro598Leu). This variant is present in population databases (rs763927840, gnomAD 0.006%). This variant has not been reported in the literature in individuals affected with BAP1-related conditions. ClinVar contains an entry for this variant (Variation ID: 3818386). Invitae Evidence Modeling of protein sequence and biophysical properties (such as structural, functional, and spatial information, amino acid conservation, physicochemical variation, residue mobility, and thermodynamic stability) indicates that this missense variant is not expected to disrupt BAP1 protein function with a negative predictive value of 80%. In summary, the available evidence is currently insufficient to determine the role of this variant in disease. Therefore, it has been classified as a Variant of Uncertain Significance.

Ambry Genetics
Classification: Benign for Hereditary cancer-predisposing syndrome. Last evaluated: 2025-03-04. Review status: criteria provided, single submitter. Criteria: Ambry Variant Classification Scheme 2023. Collection method: clinical testing. Allele origin: germline.

Literature cited by the submitters: PubMed 38969833 (cited by Ambry Genetics).